The following is an entry in ClinVar:

ClinVar aggregate classification (germline): Uncertain significance (1 of 4 stars; one submission).

Allele frequency attached by ClinVar (database versions not stated): gnomAD exomes below 0.00001; ExAC 0.00001; gnomAD 0.00001; TOPMed 0.00001.
gnomAD v4.1: 5 of 1,613,608 alleles (0.00031%); highest among the groups gnomAD compares: Admixed American, 0.0033%; no homozygotes.

Submission:

Labcorp Genetics (formerly Invitae), Labcorp
Classification: Uncertain significance. Last evaluated: 2023-04-14. Review status: criteria provided, single submitter. Criteria: Invitae Variant Classification Sherloc (09022015). Collection method: clinical testing. Allele origin: germline.
Comment: In summary, the available evidence is currently insufficient to determine the role of this variant in disease. Therefore, it has been classified as a Variant of Uncertain Significance. Advanced modeling of protein sequence and biophysical properties (such as structural, functional, and spatial information, amino acid conservation, physicochemical variation, residue mobility, and thermodynamic stability) performed at Invitae indicates that this missense variant is not expected to disrupt MYH3 protein function. This variant has not been reported in the literature in individuals affected with MYH3-related conditions. This variant is present in population databases (rs770789998, gnomAD 0.003%). This sequence change replaces arginine, which is basic and polar, with glutamine, which is neutral and polar, at codon 1663 of the MYH3 protein (p.Arg1663Gln).

NM_002470.4(MYH3):c.4988G>A (p.Arg1663Gln)

Gene: MYH3 (myosin heavy chain 3; minus strand). Cytogenetic location: 17p13.1.
Variant type: single nucleotide variant.
Coding change: c.4988G>A on transcript NM_002470.4 (MANE Select); coding-DNA position 4988, G replaced by A.
Protein change: p.Arg1663Gln; replaces arginine 1663 with glutamine.
Molecular consequence: missense variant.
Genome position (GRCh38, 1-based): chr17:10,631,985, C>T on the plus strand (G>A on the coding strand, the complement: MYH3 is on the minus strand). VCF-style: chr17-10631985-C-T. GRCh37 (hg19) VCF-style: chr17-10535302-C-T.
Other names: short protein forms R1663Q.
Identifiers: ClinVar variation 2757312 (VCV002757312.3), dbSNP rs770789998, ClinGen allele CA8392070.